The following is an entry in ClinVar:

ClinVar aggregate classification (germline): Uncertain significance. Review status: criteria provided, multiple submitters, no conflicts (2 of 4 stars). 2 submissions from 2 submitters: Uncertain significance (2). Last evaluated 2024-09-03.

Conditions:
Inborn genetic diseases. Identifiers: MedGen C0950123, MeSH D030342.
Severe combined immunodeficiency, autosomal recessive, T cell-negative, B cell-negative, NK cell-positive. Also called: SCID, T CELL-NEGATIVE, B CELL-NEGATIVE, NK CELL-POSITIVE; SCID, AR, T-cell negative, B-cell negative, NK cell-positive; Severe combined immunodeficiency due to complete RAG1/2 deficiency. Identifiers: Orphanet 331206, MedGen C1832322, MONDO:0011086, OMIM 601457.
Combined immunodeficiency with skin granulomas. Identifiers: Orphanet 157949, MedGen C2673536, MONDO:0009306, OMIM 233650.

Allele frequency attached by ClinVar (database versions not stated): gnomAD exomes 0.00001 and 0.00002; TOPMed 0.00002; gnomAD 0.00005 and 0.00006.
gnomAD v4.1: 18 of 1,614,000 alleles (0.0011%); highest among the groups gnomAD compares: Admixed American, 0.028%; no homozygotes.

Submissions (2):

Ambry Genetics
Classification: Uncertain significance for Inborn genetic diseases. Last evaluated: 2024-09-03. Review status: criteria provided, single submitter. Criteria: Ambry Variant Classification Scheme 2023. Collection method: clinical testing. Allele origin: germline.

Labcorp Genetics (formerly Invitae), Labcorp
Classification: Uncertain significance for Combined immunodeficiency with skin granulomas; Severe combined immunodeficiency, autosomal recessive, T cell-negative, B cell-negative, NK cell-positive. Last evaluated: 2022-02-22. Review status: criteria provided, single submitter. Criteria: Invitae Variant Classification Sherloc (09022015). Collection method: clinical testing. Allele origin: germline.
Comment: This sequence change replaces lysine, which is basic and polar, with arginine, which is basic and polar, at codon 157 of the RAG1 protein (p.Lys157Arg). This variant is present in population databases (no rsID available, gnomAD 0.01%). This variant has not been reported in the literature in individuals affected with RAG1-related conditions. ClinVar contains an entry for this variant (Variation ID: 947663). Advanced modeling of protein sequence and biophysical properties (such as structural, functional, and spatial information, amino acid conservation, physicochemical variation, residue mobility, and thermodynamic stability) performed at Invitae indicates that this missense variant is not expected to disrupt RAG1 protein function. Algorithms developed to predict the effect of sequence changes on RNA splicing suggest that this variant may create or strengthen a splice site. In summary, the available evidence is currently insufficient to determine the role of this variant in disease. Therefore, it has been classified as a Variant of Uncertain Significance.

NM_000448.3(RAG1):c.470A>G (p.Lys157Arg)

Gene: RAG1 (recombination activating 1; plus strand). Cytogenetic location: 11p12.
Variant type: single nucleotide variant.
Coding change: c.470A>G on transcript NM_000448.3 (MANE Select); coding-DNA position 470, A replaced by G.
Protein change: p.Lys157Arg; replaces lysine 157 with arginine.
Molecular consequence: missense variant.
Genome position (GRCh38, 1-based): chr11:36,573,774, A>G. VCF-style: chr11-36573774-A-G. GRCh37 (hg19) VCF-style: chr11-36595324-A-G.
Other names: c.470A>G, p.Lys157Arg (NM_001377277.1, NM_001377278.1, NM_001377279.1 and 1 more transcripts); short protein forms K157R.
Identifiers: ClinVar variation 947663 (VCV000947663.8), dbSNP rs1258478128, ClinGen allele CA380146619.